The following is an entry in ClinVar:

ClinVar aggregate classification (germline): Conflicting classifications of pathogenicity. Review status: criteria provided, conflicting classifications (1 of 4 stars). 12 submissions from 12 submitters: Uncertain significance (5); Likely benign (5). 2 of the submissions do not count toward it. Last evaluated 2026-07-27.

Conditions:
PLEC-related disorder. Also called: PLEC-related condition; PLEC-related disorders.
Epidermolysis bullosa simplex 5C, with pyloric atresia (EBS5C). Also called: PLEC-Related Epidermolysis Bullosa with Pyloric Atresia; Epidermolysis bullosa simplex with pyloric atresia; PLEC1-Related Epidermolysis Bullosa with Pyloric Atresia. Identifiers: Orphanet 158684, MedGen C2677349, MONDO:0012807, OMIM 612138.
Epidermolysis bullosa simplex with nail dystrophy (EBS5D). Identifiers: MedGen C4225309, MONDO:0014661, OMIM 616487.
Autosomal recessive limb-girdle muscular dystrophy type 2Q (LGMDR17). Also called: MUSCULAR DYSTROPHY, LIMB-GIRDLE, AUTOSOMAL RECESSIVE 17. Identifiers: Orphanet 254361, MedGen C3150989, MONDO:0013390, OMIM 613723.
Epidermolysis bullosa simplex, Ogna type (EBS5A). Also called: Pidermolysis bullosa simplex 5A, Ogna type; EPIDERMOLYSIS BULLOSA SIMPLEX 5A, OGNA TYPE. Identifiers: Orphanet 79401, MedGen C0432317, MONDO:0007555, OMIM 131950.
Epidermolysis bullosa simplex 5B, with muscular dystrophy (EBS5B). Also called: EPIDERMOLYSIS BULLOSA SIMPLEX AND LIMB-GIRDLE MUSCULAR DYSTROPHY; Epidermolysis bullosa simplex with muscular dystrophy. Identifiers: Orphanet 257, MedGen C2931072, MONDO:0009181, OMIM 226670.

Allele frequency attached by ClinVar (database versions not stated): gnomAD 0.00009 and 0.00011; TOPMed 0.00015; gnomAD exomes 0.00021 and 0.00033; ExAC 0.00028.
gnomAD v4.1: 320 of 1,547,384 alleles (0.021%); highest among the groups gnomAD compares: Middle Eastern, 0.65%; 1 homozygote.

Submissions (12):

PreventionGenetics, part of Exact Sciences
Classification: Uncertain significance for PLEC-related condition. Last evaluated: 2026-07-27. Review status: criteria provided, single submitter. Criteria: ACMG Guidelines, 2015. Collection method: clinical testing. Allele origin: germline.
Comment: The PLEC c.6329C>T variant is predicted to result in the amino acid substitution p.Ala2110Val. This variant along with a second variant in this gene has been reported in an individual with limb-girdle muscular dystrophy (Al-Dewik et al. 2019. PubMed ID: 30919572). This variant is reported in 0.28% of alleles in individuals of Ashkenazi Jewish descent in gnomAD. Although we suspect that this variant may be benign, at this time, the clinical significance of this variant is uncertain due to the absence of conclusive functional and genetic evidence.

Labcorp Genetics (formerly Invitae), Labcorp
Classification: Likely benign for Autosomal recessive limb-girdle muscular dystrophy type 2Q; Epidermolysis bullosa simplex, Ogna type; Epidermolysis bullosa simplex with nail dystrophy; Epidermolysis bullosa simplex 5C, with pyloric atresia; Epidermolysis bullosa simplex 5B, with muscular dystrophy. Last evaluated: 2026-02-01. Review status: criteria provided, single submitter. Criteria: Invitae Variant Classification Sherloc (09022015). Collection method: clinical testing. Allele origin: germline.

Blueprint Genetics
Classification: Likely benign. Last evaluated: 2024-10-24. Review status: criteria provided, single submitter. Criteria: ACMG Guidelines, 2015. Collection method: clinical testing. Allele origin: germline.

Women's Health and Genetics/Laboratory Corporation of America, LabCorp
Classification: Uncertain significance. Last evaluated: 2024-07-10. Review status: criteria provided, single submitter. Criteria: LabCorp Variant Classification Summary - May 2015. Collection method: clinical testing. Allele origin: germline.
Comment: Variant summary: PLEC c.6329C>T (p.Ala2110Val) results in a non-conservative amino acid change in the encoded protein sequence. Four of five in-silico tools predict a benign effect of the variant on protein function. The variant allele was found at a frequency of 0.00033 in 149434 control chromosomes. This frequency is not significantly higher than estimated for a pathogenic variant in PLEC causing PLEC-Related Disorders, allowing no conclusion about variant significance. c.6329C>T has been reported in the literature in at-least one individual affected with Slow progressive congenital myopathy (example: Al-Dewik_2019). These report(s) do not provide unequivocal conclusions about association of the variant with PLEC-Related Disorders. To our knowledge, no experimental evidence demonstrating an impact on protein function has been reported. The following publication has been ascertained in the context of this evaluation (PMID: 30919572). ClinVar contains an entry for this variant (Variation ID: 287223). Based on the evidence outlined above, the variant was classified as uncertain significance.

Revvity Omics, Revvity
Classification: Likely benign. Last evaluated: 2023-02-27. Review status: criteria provided, single submitter. Criteria: ACMG Guidelines, 2015. Collection method: clinical testing. Allele origin: germline.

Athena Diagnostics
Classification: Likely benign. Last evaluated: 2020-09-24. Review status: criteria provided, single submitter. Criteria: Athena Diagnostics criteria. Collection method: clinical testing. Allele origin: unknown.

Baylor Genetics
Classification: Uncertain significance for Autosomal recessive limb-girdle muscular dystrophy type 2Q. Last evaluated: 2019-11-06. Review status: criteria provided, single submitter. Criteria: ACMG Guidelines, 2015. Collection method: clinical testing. Allele origin: unknown. Affected: yes.
Comment: This variant was determined to be of uncertain significance according to ACMG Guidelines, 2015 [PMID:25741868].

Mayo Clinic Laboratories, Mayo Clinic
Classification: Uncertain significance. Last evaluated: 2019-04-15. Review status: criteria provided, single submitter. Criteria: ACMG Guidelines, 2015. Collection method: clinical testing. Allele origin: germline. Observed: 1 variant allele.

GeneDx
Classification: Likely benign. Last evaluated: 2018-03-29. Review status: criteria provided, single submitter. Criteria: GeneDx Variant Classification Process June 2021. Collection method: clinical testing. Allele origin: germline. Affected: yes.
Comment: This variant is associated with the following publications: (PMID: 30919572)

Eurofins Ntd Llc (ga)
Classification: Uncertain significance. Last evaluated: 2016-04-27. Review status: criteria provided, single submitter. Criteria: EGL Classification Definitions 2015. Collection method: clinical testing. Allele origin: germline. Observed: 2 variant alleles, 2 heterozygotes.

Clinical Genetics DNA and cytogenetics Diagnostics Lab, Erasmus MC, Erasmus Medical Center
Classification: Likely benign. Review status: no assertion criteria provided. Collection method: clinical testing. Allele origin: germline. Affected: yes. Study: VKGL Data-share Consensus. Not counted in ClinVar's aggregate classification.

Diagnostic Laboratory, Department of Genetics, University Medical Center Groningen
Classification: Likely benign. Review status: no assertion criteria provided. Collection method: clinical testing. Allele origin: germline. Affected: yes. Study: VKGL Data-share Consensus. Not counted in ClinVar's aggregate classification.

Literature cited by the submitters: PubMed 30919572 (cited by Women's Health and Genetics/Laboratory Corporation of America, LabCorp and Athena Diagnostics).

NM_201384.3(PLEC):c.6248C>T (p.Ala2083Val)

Gene: PLEC (plectin; minus strand). Cytogenetic location: 8q24.3.
Variant type: single nucleotide variant.
Coding change: c.6248C>T on transcript NM_201384.3 (MANE Select); coding-DNA position 6248, C replaced by T.
Protein change: p.Ala2083Val; replaces alanine 2083 with valine.
Molecular consequence: missense variant.
Genome position (GRCh38, 1-based): chr8:143,923,681, G>A on the plus strand (C>T on the coding strand, the complement: PLEC is on the minus strand). VCF-style: chr8-143923681-G-A. GRCh37 (hg19) VCF-style: chr8-144997849-G-A.
Other names: c.6329C>T, p.Ala2110Val (NM_000445.5); c.6206C>T, p.Ala2069Val (NM_201378.4); c.6182C>T, p.Ala2061Val (NM_201379.3); c.6659C>T, p.Ala2220Val (NM_201380.4); c.6152C>T, p.Ala2051Val (NM_201381.3); c.6248C>T, p.Ala2083Val (NM_201382.4); c.6260C>T, p.Ala2087Val (NM_201383.3); short protein forms A2083V, A2110V, A2051V, A2061V, A2087V, A2069V, A2220V.
Identifiers: ClinVar variation 287223 (VCV000287223.37), dbSNP rs781878105, ClinGen allele CA4926068.